The following is an entry in ClinVar:

ClinVar aggregate classification (germline): Conflicting classifications of pathogenicity. Review status: criteria provided, conflicting classifications (1 of 4 stars). 12 submissions from 12 submitters: Uncertain significance (9); Benign (1). 2 of the submissions do not count toward it. Last evaluated 2026-02-02.

Conditions:
Hereditary cancer-predisposing syndrome. Also called: Neoplastic Syndromes, Hereditary; Hereditary neoplastic syndrome; Tumor predisposition; Hereditary Cancer Syndrome. Identifiers: Orphanet 140162, MedGen C0027672, MeSH D009386, MONDO:0015356.
Hereditary nonpolyposis colorectal neoplasms. Identifiers: MedGen C0009405, MeSH D003123.
Breast and/or ovarian cancer. Identifiers: MedGen CN221562.
Lynch syndrome. Identifiers: Orphanet 144, MedGen C4552100, MONDO:0005835. Disease mechanism: loss of function.
Lynch syndrome 4 (LYNCH4). Also called: Hereditary non-polyposis colorectal cancer, type 4; Colorectal cancer, hereditary nonpolyposis, type 4. Identifiers: Orphanet 144, MedGen C1838333, MONDO:0013699, OMIM 614337. Disease mechanism: loss of function.
Malignant tumor of breast. Also called: Malignant breast neoplasm; Cancer breast. Identifiers: MedGen C0006142, MONDO:0007254. Disease mechanism: loss of function.

Allele frequency attached by ClinVar (database versions not stated): gnomAD 0.00001; gnomAD exomes 0.00001 and 0.00003; ExAC 0.00003.

Submissions (12):

Labcorp Genetics (formerly Invitae), Labcorp
Classification: Benign for Hereditary nonpolyposis colorectal neoplasms. Last evaluated: 2026-02-02. Review status: criteria provided, single submitter. Criteria: Invitae Variant Classification Sherloc (09022015). Collection method: clinical testing. Allele origin: germline.

Ambry Genetics
Classification: Uncertain significance for Hereditary cancer-predisposing syndrome. Last evaluated: 2025-10-29. Review status: criteria provided, single submitter. Criteria: Ambry Variant Classification Scheme 2023. Collection method: clinical testing. Allele origin: germline.
Comment: The c.1952A>G (p.K651R) alteration is located in exon 11 (coding exon 11) of the PMS2 gene. This alteration results from a A to G substitution at nucleotide position 1952, causing the lysine (K) at amino acid position 651 to be replaced by an arginine (R). Based on data from gnomAD, the G allele has an overall frequency of 0.001% (4/281808) total alleles studied. The highest observed frequency was 0.01% (1/10298) of Ashkenazi Jewish alleles. Based on insufficient or conflicting evidence, the clinical significance of this alteration remains unclear.

Quest Diagnostics Nichols Institute San Juan Capistrano
Classification: Uncertain significance. Last evaluated: 2025-03-24. Review status: criteria provided, single submitter. Criteria: Quest Diagnostics criteria. Collection method: clinical testing. Allele origin: unknown.
Comment: The PMS2 c.1952A>G (p.Lys651Arg) variant has been reported in the published literature in an individual with breast cancer (PMID: 32885271 (2021)). The frequency of this variant in the general population (Genome Aggregation Database) is uninformative in the assessment of its pathogenicity. Analysis of this variant using bioinformatics tools for the prediction of the effect of amino acid changes on protein structure and function yielded predictions that this variant is benign. Based on the available information, we are unable to determine the clinical significance of this variant.

GeneDx
Classification: Uncertain significance. Last evaluated: 2024-07-04. Review status: criteria provided, single submitter. Criteria: GeneDx Variant Classification Process June 2021. Collection method: clinical testing. Allele origin: germline. Affected: yes.
Comment: In silico analysis indicates that this missense variant does not alter protein structure/function; Has not been previously published as germline pathogenic or benign to our knowledge; This variant is associated with the following publications: (PMID: 17016615, 33004033, 32368696, 35939113, 11292842)

Molecular Pathology, Peter Maccallum Cancer Centre
Classification: Uncertain significance for Lynch syndrome 4. Last evaluated: 2024-04-05. Review status: criteria provided, single submitter. Criteria: ACMG Guidelines, 2015. Collection method: clinical testing. Allele origin: germline. Inheritance: Autosomal dominant inheritance.

Baylor Genetics
Classification: Uncertain significance for Lynch syndrome 4. Last evaluated: 2024-03-05. Review status: criteria provided, single submitter. Criteria: ACMG Guidelines, 2015. Collection method: clinical testing. Allele origin: unknown.

All of Us Research Program, National Institutes of Health
Classification: Uncertain significance for Lynch syndrome. Last evaluated: 2023-12-13. Review status: criteria provided, single submitter. Criteria: ACMG Guidelines, 2015. Collection method: clinical testing. Allele origin: germline. Inheritance: Autosomal dominant inheritance. Observed: 3 variant alleles, 3 heterozygotes.
Comment: This missense variant replaces lysine with arginine at codon 651 of the PMS2 protein. Computational prediction suggests that this variant may not impact protein structure and function (internally defined REVEL score threshold <= 0.5, PMID: 27666373). To our knowledge, functional studies have not been reported for this variant. This variant has not been reported in individuals affected with PMS2-related disorders in the literature. This variant has been identified in 3/250440 chromosomes in the general population by the Genome Aggregation Database (gnomAD). The available evidence is insufficient to determine the role of this variant in disease conclusively. Therefore, this variant is classified as a Variant of Uncertain Significance.

This study involves interpretation of variants in research participants for the purpose of population health screening. Participant phenotype was not available at the time of variant classification. Additional details can be found in publication PMID: 35346344, PMCID: PMC8962531

Color Diagnostics, LLC DBA Color Health
Classification: Uncertain significance for Hereditary cancer-predisposing syndrome. Last evaluated: 2023-11-16. Review status: criteria provided, single submitter. Criteria: ACMG Guidelines, 2015. Collection method: clinical testing. Allele origin: germline.
Comment: This missense variant replaces lysine with arginine at codon 651 of the PMS2 protein. Computational prediction suggests that this variant may not impact protein structure and function (internally defined REVEL score threshold <= 0.5, PMID: 27666373). To our knowledge, functional studies have not been reported for this variant. This variant has not been reported in individuals affected with PMS2-related disorders in the literature. This variant has been identified in 3/250440 chromosomes in the general population by the Genome Aggregation Database (gnomAD). The available evidence is insufficient to determine the role of this variant in disease conclusively. Therefore, this variant is classified as a Variant of Uncertain Significance.

Myriad Genetics, Inc.
Classification: Uncertain significance for Lynch syndrome 4. Last evaluated: 2023-04-04. Review status: criteria provided, single submitter. Criteria: Myriad Autosomal Dominant, Autosomal Recessive and X-Linked Classification Criteria (2023). Collection method: clinical testing. Allele origin: unknown.
Comment: This variant is classified as a variant of uncertain significance as there is insufficient evidence to determine its impact on protein function and/or cancer risk.

CHEO Genetics Diagnostic Laboratory, Children's Hospital of Eastern Ontario
Classification: Uncertain significance for Breast and/or ovarian cancer. Last evaluated: 2021-09-20. Review status: criteria provided, single submitter. Criteria: ACMG Guidelines, 2015. Collection method: clinical testing. Allele origin: germline.

Counsyl
Classification: Uncertain significance for Lynch syndrome 4. Last evaluated: 2017-07-06. Review status: no assertion criteria provided. Collection method: clinical testing. Allele origin: unknown. Not counted in ClinVar's aggregate classification.

Department of Pathology and Laboratory Medicine, Sinai Health System
Classification: Uncertain significance for Malignant tumor of breast. Review status: no assertion criteria provided. Collection method: clinical testing. Allele origin: unknown. Affected: yes. Study: The Canadian Open Genetics Repository (COGR). Not counted in ClinVar's aggregate classification.
Comment: The PMS2 p.Lys651Arg variant was identified in 5 of 40 proband chromosomes (frequency: 0.125) from individuals or families with breast cancer (Balogh 2006). The variant was also identified in dbSNP (ID: rs267608167) as â€šÃ„ÃºWith Uncertain significance alleleâ€šÃ„Ã¹, ClinVar (as uncertain significance by Invitae, Ambry Genetics, and Counsyl, and as likely benign by Color). The variant was identified in control databases in 4 of 276286 chromosomes at a frequency of 0.000014 (Genome Aggregation Database Feb 27, 2017). The variant was observed in the following populations: European (Non-Finnish) in 2 of 126486 chromosomes (freq: 0.000016), Ashkenazi Jewish in 1 of 10082 chromosomes (freq: 0.000099), and European (Finnish) in 1 of 25788 chromosomes (freq: 0.000039), while the variant was not observed in the African, Other, Latino, East Asian, and South Asian populations. The p.Lys651 residue is conserved in mammals but not in more distantly related organisms however four out of five computational analyses (PolyPhen-2, SIFT, AlignGVGD, BLOSUM, MutationTaster) do not suggest a high likelihood of impact to the protein; this information is not predictive enough to rule out pathogenicity. The variant occurs outside of the splicing consensus sequence and in silico or computational prediction software programs (SpliceSiteFinder, MaxEntScan, NNSPLICE, GeneSplicer) do not predict a difference in splicing. In summary, based on the above information the clinical significance of this variant cannot be determined with certainty at this time. This variant is classified as a variant of uncertain significance.

Literature cited by the submitters: PubMed 17016615 (cited by Quest Diagnostics Nichols Institute San Juan Capistrano and Counsyl); PubMed 32885271 (cited by Quest Diagnostics Nichols Institute San Juan Capistrano).

NM_000535.7(PMS2):c.1952A>G (p.Lys651Arg)

Gene: PMS2 (PMS1 homolog 2, mismatch repair system component; minus strand). Cytogenetic location: 7p22.1.
Variant type: single nucleotide variant.
Coding change: c.1952A>G on transcript NM_000535.7 (MANE Select); coding-DNA position 1952, A replaced by G.
Protein change: p.Lys651Arg; replaces lysine 651 with arginine.
Molecular consequence: missense variant. On other transcripts: non-coding transcript variant (1).
Genome position (GRCh38, 1-based): chr7:5,986,813, T>C on the plus strand (A>G on the coding strand, the complement: PMS2 is on the minus strand). VCF-style: chr7-5986813-T-C. GRCh37 (hg19) VCF-style: chr7-6026444-T-C.
Other names: c.1547A>G, p.Lys516Arg (NM_001322003.2, NM_001322004.2, NM_001322005.2 and 1 more transcripts); c.1796A>G, p.Lys599Arg (NM_001322006.2); c.1634A>G, p.Lys545Arg (NM_001322007.2, NM_001322008.2); c.1391A>G, p.Lys464Arg (NM_001322010.2); c.1019A>G, p.Lys340Arg (NM_001322011.2, NM_001322012.2); c.1379A>G, p.Lys460Arg (NM_001322013.2); c.1952A>G, p.Lys651Arg (NM_001322014.2); c.1643A>G, p.Lys548Arg (NM_001322015.2); short protein forms K651R, K340R, K464R, K545R, K548R, K460R, K516R, K599R.
Identifiers: ClinVar variation 237896 (VCV000237896.32), dbSNP rs267608167, ClinGen allele CA045953.
Genomic context (GRCh38, chr7:5,986,813, plus strand): 5'-CTTTACCTTATCTCTTTTCTTAGTTCATCTTCGGCTGCTTGATTTTCTCCAGGACAAATC[T>C]TTGCCCTAAACTTCCTGTAATTCTGTTCCCCTTCACTTTGCTGTGCTTCATGATGTAACT-3'
Protein context (NP_000526.2, residues 641-661): GEQNYRKFRA[Lys651Arg]ICPGENQAAE